The following is an entry in ClinVar:

ClinVar aggregate classification (germline): Conflicting classifications of pathogenicity. Review status: criteria provided, conflicting classifications (1 of 4 stars). 4 submissions from 4 submitters: Uncertain significance (2); Likely benign (1). 1 of the submissions does not count toward it. Last evaluated 2026-06-18.

Conditions:
Neuronopathy, distal hereditary motor, autosomal dominant. Also called: Autosomal dominant distal hereditary motor neuropathy. Identifiers: Orphanet 140465, MedGen C5548212, MONDO:0015362.
Charcot-Marie-Tooth disease axonal type 2Z. Also called: CHARCOT-MARIE-TOOTH DISEASE, AXONAL, AUTOSOMAL DOMINANT, TYPE 2Z; CHARCOT-MARIE-TOOTH NEUROPATHY, TYPE 2Z. Identifiers: Orphanet 466768, MedGen C5569025, MONDO:0014736, OMIM 616688.

Allele frequency attached by ClinVar (database versions not stated): ExAC 0.00002; gnomAD exomes 0.00001 and 0.00002; gnomAD 0.00002 and 0.00001; TOPMed 0.00002; 1000 Genomes Project 30x 0.00016; 1000 Genomes Project 0.00020.
gnomAD v4.1: 25 of 1,613,732 alleles (0.0015%); highest among the groups gnomAD compares: Middle Eastern, 0.016%; 1 homozygote.

Submissions (4):

Women's Health and Genetics/Laboratory Corporation of America, LabCorp
Classification: Likely benign. Last evaluated: 2026-06-18. Review status: criteria provided, single submitter. Criteria: LabCorp Variant Classification Summary - May 2015. Collection method: clinical testing. Allele origin: germline.
Comment: Variant summary: MORC2 c.1753C>T (p.Arg585Cys) results in a non-conservative amino acid change in the encoded protein sequence. Algorithms developed to predict the effect of missense changes on protein structure and function are either unavailable or do not agree on the potential impact of this missense change. The variant allele was found at a frequency of 1.5e-05 in 1613732 control chromosomes in the gnomAD database, including 1 homozygote. The observed variant frequency exceeds the estimated maximal expected allele frequency for disease-causing variants in MORC2. c.1753C>T has been observed in at least one individual affected with Charcot-Marie-Tooth disease, however it reportedly did not segregate with the phenotype in other family members (Albulym_2016). This report does not provide unequivocal conclusions about association of the variant with disease. To our knowledge, no experimental evidence demonstrating an impact on protein function has been reported. The following publication has been ascertained in the context of this evaluation (PMID: 26659848). ClinVar contains an entry for this variant (Variation ID: 568470). Based on the evidence outlined above, the variant was classified as likely benign.

Labcorp Genetics (formerly Invitae), Labcorp
Classification: Uncertain significance for Charcot-Marie-Tooth disease axonal type 2Z. Last evaluated: 2025-10-10. Review status: criteria provided, single submitter. Criteria: Invitae Variant Classification Sherloc (09022015). Collection method: clinical testing. Allele origin: germline.
Comment: This sequence change replaces arginine, which is basic and polar, with cysteine, which is neutral and slightly polar, at codon 585 of the MORC2 protein (p.Arg585Cys). This variant is present in population databases (rs548292999, gnomAD 0.01%). This missense change has been observed in individual(s) with amyotrophic lateral sclerosis and/or Charcot-Marie-Tooth disease type 2 (CMT2) (PMID: 26659848, 31475037). This variant is also known as p.R523C. ClinVar contains an entry for this variant (Variation ID: 568470). Invitae Evidence Modeling of protein sequence and biophysical properties (such as structural, functional, and spatial information, amino acid conservation, physicochemical variation, residue mobility, and thermodynamic stability) indicates that this missense variant is not expected to disrupt MORC2 protein function with a negative predictive value of 80%. In summary, the available evidence is currently insufficient to determine the role of this variant in disease. Therefore, it has been classified as a Variant of Uncertain Significance.

GeneDx
Classification: Uncertain significance. Last evaluated: 2023-08-28. Review status: criteria provided, single submitter. Criteria: GeneDx Variant Classification Process June 2021. Collection method: clinical testing. Allele origin: germline. Affected: yes.
Comment: Previously reported in one family with CMT; however, the variant did not segregate with disease in the family, the presence of the variant was not confirmed, and the authors concluded it was likely not pathogenic (Albulym et al., 2016); Reported as R523C in individual with amyotrophic lateral sclerosis; however no further information was provided (Tripolszki et al., 2019); In silico analysis supports that this missense variant has a deleterious effect on protein structure/function; This variant is associated with the following publications: (PMID: 28492532, 26659848, 31475037)

Genesis Genome Database
Classification: Uncertain significance for Neuronopathy, distal hereditary motor, autosomal dominant. Last evaluated: 2019-08-14. Review status: no assertion criteria provided. Collection method: research. Allele origin: germline. Affected: yes. Not counted in ClinVar's aggregate classification.

Literature cited by the submitters: PubMed 26659848 (cited by Women's Health and Genetics/Laboratory Corporation of America, LabCorp and Labcorp Genetics (formerly Invitae), Labcorp); PubMed 31475037 (cited by Labcorp Genetics (formerly Invitae), Labcorp).

NM_001303256.3(MORC2):c.1753C>T (p.Arg585Cys)

Gene: MORC2 (MORC family CW-type zinc finger 2; minus strand). Cytogenetic location: 22q12.2.
Variant type: single nucleotide variant.
Coding change: c.1753C>T on transcript NM_001303256.3 (MANE Select); coding-DNA position 1753, C replaced by T.
Protein change: p.Arg585Cys; replaces arginine 585 with cysteine.
Molecular consequence: missense variant.
Genome position (GRCh38, 1-based): chr22:30,935,307, G>A on the plus strand (C>T on the coding strand, the complement: MORC2 is on the minus strand). VCF-style: chr22-30935307-G-A. GRCh37 (hg19) VCF-style: chr22-31331294-G-A.
Other names: c.1753C>T, p.Arg585Cys (NM_001303257.2); c.1567C>T, p.Arg523Cys (NM_014941.3); short protein forms R585C, R523C.
Identifiers: ClinVar variation 568470 (VCV000568470.15), dbSNP rs548292999, ClinGen allele CA10186856.
Genomic context (GRCh38, chr22:30,935,307, plus strand): 5'-CCTCAGTGGAAGGTCTGGTGGTCACTTCCAAGGGCAATTTCTTCAGGTCTGCTTGGGAGC[G>A]GATGGGTGTGGTTTTCTGCAAGGCAAACATCATGATGAAGTTGTTTGCATATTTTAGTAT-3'
Protein context (NP_001290185.1, residues 575-595): LEALQKTTPI[Arg585Cys]SQADLKKLPL